The following is an entry in ClinVar:

NM_006941.4(SOX10):c.856del (p.Met286fs)

Genes: POLR2F (RNA polymerase II, I and III subunit F; plus strand), SOX10 (SRY-box transcription factor 10; minus strand). Cytogenetic location: 22q13.1.
Variant type: Deletion.
Coding change: c.856del on transcript NM_006941.4 (MANE Select); coding-DNA position 856, one base deleted (A; older notation c.856delA).
Protein change: p.Met286fs; shifts the reading frame from methionine 286.
Molecular consequence: frameshift variant. On other transcripts: intron variant (3).
Genome position (GRCh38, 1-based): chr22:37,974,040, T deleted on the plus strand (A on the coding strand, the reverse complement: SOX10 is on the minus strand); the first of 2 consecutive T bases (chr22:37,974,040-37,974,041); deleting either gives the same sequence. VCF-style (leftmost placement, unchanged base first): chr22-37974039-AT-A. GRCh37 (hg19) VCF-style: chr22-38370046-AT-A.
Other names: c.*38+1731del (NM_001363825.1); c.293+6871del (NM_001301130.2, NM_001301131.2); short protein forms M286fs.
Identifiers: ClinVar variation 1998015 (VCV001998015.4), dbSNP rs2518042506, ClinGen allele CA2580099763.

ClinVar aggregate classification (germline): Pathogenic (1 of 4 stars; one submission).

Submission:

Labcorp Genetics (formerly Invitae), Labcorp
Classification: Pathogenic. Last evaluated: 2022-05-22. Review status: criteria provided, single submitter. Criteria: Invitae Variant Classification Sherloc (09022015). Collection method: clinical testing. Allele origin: germline.
Comment: For these reasons, this variant has been classified as Pathogenic. This variant disrupts a region of the SOX10 protein in which other variant(s) (p.Gln399*) have been determined to be pathogenic (PMID: 28000701, 31427586; Invitae). This suggests that this is a clinically significant region of the protein, and that variants that disrupt it are likely to be disease-causing. This variant has not been reported in the literature in individuals affected with SOX10-related conditions. This variant is not present in population databases (gnomAD no frequency). This sequence change creates a premature translational stop signal (p.Met286Cysfs*25) in the SOX10 gene. While this is not anticipated to result in nonsense mediated decay, it is expected to disrupt the last 181 amino acid(s) of the SOX10 protein.

Literature cited by the submitters: PubMed 28000701; PubMed 31427586.